The following is an entry in ClinVar:

NM_005609.4(PYGM):c.1827+7A>G

Gene: PYGM (glycogen phosphorylase, muscle associated; minus strand). Cytogenetic location: 11q13.1.
Variant type: single nucleotide variant.
Coding change: c.1827+7A>G on transcript NM_005609.4 (MANE Select); 7 bases into the intron after coding-DNA position 1827, A replaced by G.
Molecular consequence: intron variant.
Genome position (GRCh38, 1-based): chr11:64,751,590, T>C on the plus strand (A>G on the coding strand, the complement: PYGM is on the minus strand). VCF-style: chr11-64751590-T-C. GRCh37 (hg19) VCF-style: chr11-64519062-T-C.
Other names: c.1563+7A>G (NM_001164716.1).
Identifiers: ClinVar variation 95294 (VCV000095294.35), dbSNP rs532747, ClinGen allele CA148398.
Genomic context (GRCh38, chr11:64,751,590, plus strand): 5'-AGCTGGGCTGACCTCAACCTGGATATATCAAAGGACGGGAGCCCAGGGCTGGAGCCTGGC[T>C]TCTCACCTTCCCTCCAATCATCACAGTCCGAGGCACAAAAAACTTATTGGGCTCCCTCTT-3'

ClinVar aggregate classification (germline): Benign. Review status: criteria provided, multiple submitters, no conflicts (2 of 4 stars). 11 submissions from 11 submitters: Benign (9). 2 of the submissions do not count toward it. Last evaluated 2026-06-12.

Conditions:
Glycogen storage disease, type V (GSD5). Also called: MCARDLE DISEASE; MUSCLE GLYCOGEN PHOSPHORYLASE DEFICIENCY; MYOPHOSPHORYLASE DEFICIENCY; PYGM DEFICIENCY; McArdle type glycogen storage disease. Identifiers: Orphanet 368, MedGen C0017924, MONDO:0009293, OMIM 232600.

Allele frequency attached by ClinVar (database versions not stated): gnomAD exomes 0.10525 and 0.14443; gnomAD 0.11211 and 0.10554; 1000 Genomes Project 0.16454; 1000 Genomes Project 30x 0.16131; ESP Exome Variant Server 0.08356; TOPMed 0.12005; ExAC 0.13384.
gnomAD v4.1: 171,145 of 1,613,936 alleles (11%); highest among the groups gnomAD compares: East Asian, 38%; 12,555 homozygotes.

Submissions (11):

Women's Health and Genetics/Laboratory Corporation of America, LabCorp
Classification: Benign. Last evaluated: 2026-06-12. Review status: criteria provided, single submitter. Criteria: LabCorp Variant Classification Summary - May 2015. Collection method: clinical testing. Allele origin: germline.

Labcorp Genetics (formerly Invitae), Labcorp
Classification: Benign for Glycogen storage disease, type V. Last evaluated: 2026-02-04. Review status: criteria provided, single submitter. Criteria: Invitae Variant Classification Sherloc (09022015). Collection method: clinical testing. Allele origin: germline.

ARUP Laboratories, Molecular Genetics and Genomics, ARUP Laboratories
Classification: Benign for Glycogen storage disease, type V. Last evaluated: 2025-04-03. Review status: criteria provided, single submitter. Criteria: ARUP Molecular Germline Variant Investigation Process 2024. Collection method: clinical testing. Allele origin: germline.

Genome-Nilou Lab
Classification: Benign for Glycogen storage disease, type V. Last evaluated: 2021-07-01. Review status: criteria provided, single submitter. Criteria: ACMG Guidelines, 2015. Collection method: clinical testing. Allele origin: germline. Affected: no.

Illumina Laboratory Services, Illumina
Classification: Benign for Glycogen storage disease, type V. Last evaluated: 2018-01-13. Review status: criteria provided, single submitter. Criteria: ICSL Variant Classification Criteria 13 December 2019. Collection method: clinical testing. Allele origin: germline.
Comment: This variant was observed in the ICSL laboratory as part of a predisposition screen in an ostensibly healthy population. It had not been previously curated by ICSL or reported in the Human Gene Mutation Database (HGMD: prior to June 1st, 2018), and was therefore a candidate for classification through an automated scoring system. Utilizing variant allele frequency, disease prevalence and penetrance estimates, and inheritance mode, an automated score was calculated to assess if this variant is too frequent to cause the disease. Based on the score and internal cut-off values, a variant classified as benign is not then subjected to further curation. The score for this variant resulted in a classification of benign for this disease.

Eurofins Ntd Llc (ga)
Classification: Benign. Last evaluated: 2016-06-07. Review status: criteria provided, single submitter. Criteria: EGL Classification Definitions 2015. Collection method: clinical testing. Allele origin: germline. Observed: 33 variant alleles, 32 heterozygotes, 1 homozygote.

GeneDx
Classification: Benign. Last evaluated: 2015-03-03. Review status: criteria provided, single submitter. Criteria: GeneDx Variant Classification Process June 2021. Collection method: clinical testing. Allele origin: germline. Affected: yes.
Comment: This variant is associated with the following publications: (PMID: 28967462)

Breakthrough Genomics
Classification: Benign. Review status: criteria provided, single submitter. Criteria: ACMG Guidelines, 2015. Collection method: not provided. Allele origin: germline. Inheritance: Autosomal recessive inheritance. Affected: yes.

PreventionGenetics, part of Exact Sciences
Classification: Benign. Review status: criteria provided, single submitter. Criteria: ACMG Guidelines, 2015. Collection method: clinical testing. Allele origin: germline.

Natera, Inc.
Classification: Benign for Glycogen storage disease V. Last evaluated: 2021-06-03. Review status: no assertion criteria provided. Collection method: clinical testing. Allele origin: germline. Not counted in ClinVar's aggregate classification.

Mayo Clinic Laboratories, Mayo Clinic
Classification: Benign. Last evaluated: 2015-10-22. Review status: no assertion criteria provided. Collection method: clinical testing. Allele origin: unknown. Not counted in ClinVar's aggregate classification.